The following is an entry in ClinVar:

NM_005245.4(FAT1):c.11870G>A (p.Arg3957His)

Gene: FAT1 (FAT atypical cadherin 1; minus strand). Cytogenetic location: 4q35.2.
Variant type: single nucleotide variant.
Coding change: c.11870G>A on transcript NM_005245.4 (MANE Select); coding-DNA position 11870, G replaced by A.
Protein change: p.Arg3957His; replaces arginine 3957 with histidine.
Molecular consequence: missense variant.
Genome position (GRCh38, 1-based): chr4:186,600,131, C>T on the plus strand (G>A on the coding strand, the complement: FAT1 is on the minus strand). VCF-style: chr4-186600131-C-T. GRCh37 (hg19) VCF-style: chr4-187521285-C-T.
Other names: short protein forms R3957H.
Identifiers: ClinVar variation 3093023 (VCV003093023.3), dbSNP rs200468783, ClinGen allele CA3165005.

ClinVar aggregate classification (germline): Uncertain significance. Review status: criteria provided, multiple submitters, no conflicts (2 of 4 stars). 2 submissions from 2 submitters: Uncertain significance (2). Last evaluated 2025-11-18.

Conditions:
Inborn genetic diseases. Identifiers: MedGen C0950123, MeSH D030342.

Allele frequency attached by ClinVar (database versions not stated): gnomAD 0.00004; ExAC 0.00006; TOPMed 0.00006.
gnomAD v4.1: 55 of 1,613,928 alleles (0.0034%); highest among the groups gnomAD compares: Middle Eastern, 0.016%; no homozygotes.

Submissions (2):

Labcorp Genetics (formerly Invitae), Labcorp
Classification: Uncertain significance. Last evaluated: 2025-11-18. Review status: criteria provided, single submitter. Criteria: Invitae Variant Classification Sherloc (09022015). Collection method: clinical testing. Allele origin: germline.
Comment: This sequence change replaces arginine, which is basic and polar, with histidine, which is basic and polar, at codon 3957 of the FAT1 protein (p.Arg3957His). This variant is present in population databases (rs200468783, gnomAD 0.02%). This variant has not been reported in the literature in individuals affected with FAT1-related conditions. ClinVar contains an entry for this variant (Variation ID: 3093023). An algorithm developed to predict the effect of missense changes on protein structure and function (PolyPhen-2) suggests that this variant is likely to be tolerated. In summary, the available evidence is currently insufficient to determine the role of this variant in disease. Therefore, it has been classified as a Variant of Uncertain Significance.

Ambry Genetics
Classification: Uncertain significance for Inborn genetic diseases. Last evaluated: 2025-10-06. Review status: criteria provided, single submitter. Criteria: Ambry Variant Classification Scheme 2023. Collection method: clinical testing. Allele origin: germline.